The following is an entry in ClinVar:

NM_001142800.2(EYS):c.6724C>G (p.Arg2242Gly)

Gene: EYS (EGF-like photoreceptor maintenance factor; minus strand). Cytogenetic location: 6q12.
Variant type: single nucleotide variant.
Coding change: c.6724C>G on transcript NM_001142800.2 (MANE Select); coding-DNA position 6724, C replaced by G.
Protein change: p.Arg2242Gly; replaces arginine 2242 with glycine.
Molecular consequence: missense variant.
Genome position (GRCh38, 1-based): chr6:64,066,339, G>C on the plus strand (C>G on the coding strand, the complement: EYS is on the minus strand). VCF-style: chr6-64066339-G-C. GRCh37 (hg19) VCF-style: chr6-64776232-G-C.
Other names: c.6724C>G, p.Arg2242Gly (NM_001292009.2); short protein forms R2242G.
Identifiers: ClinVar variation 1481588 (VCV001481588.4), dbSNP rs990350691, ClinGen allele CA140276682.

ClinVar aggregate classification (germline): Uncertain significance. Review status: criteria provided, multiple submitters, no conflicts (2 of 4 stars). 2 submissions from 2 submitters: Uncertain significance (2). Last evaluated 2024-08-01.

Allele frequency attached by ClinVar (database versions not stated): gnomAD 0.00001.
gnomAD v4.1: 13 of 1,549,588 alleles (0.00084%); highest among the groups gnomAD compares: Middle Eastern, 0.05%; no homozygotes.

Submissions (2):

Blueprint Genetics
Classification: Uncertain significance. Last evaluated: 2024-08-01. Review status: criteria provided, single submitter. Criteria: ACMG Guidelines, 2015. Collection method: clinical testing. Allele origin: germline.

Labcorp Genetics (formerly Invitae), Labcorp
Classification: Uncertain significance. Last evaluated: 2022-06-27. Review status: criteria provided, single submitter. Criteria: Invitae Variant Classification Sherloc (09022015). Collection method: clinical testing. Allele origin: germline.
Comment: This sequence change replaces arginine, which is basic and polar, with glycine, which is neutral and non-polar, at codon 2242 of the EYS protein (p.Arg2242Gly). The frequency data for this variant in the population databases is considered unreliable, as metrics indicate poor data quality at this position in the gnomAD database. This variant has not been reported in the literature in individuals affected with EYS-related conditions. Algorithms developed to predict the effect of missense changes on protein structure and function (SIFT, PolyPhen-2, Align-GVGD) all suggest that this variant is likely to be tolerated. Algorithms developed to predict the effect of sequence changes on RNA splicing suggest that this variant may create or strengthen a splice site. In summary, the available evidence is currently insufficient to determine the role of this variant in disease. Therefore, it has been classified as a Variant of Uncertain Significance.